The following is an entry in ClinVar:

NM_003072.5(SMARCA4):c.4523A>G (p.Lys1508Arg)

Gene: SMARCA4 (SWI/SNF related BAF chromatin remodeling complex subunit ATPase 4; plus strand). Cytogenetic location: 19p13.2.
Variant type: single nucleotide variant.
Coding change: c.4523A>G on transcript NM_003072.5 (MANE Select); coding-DNA position 4523, A replaced by G.
Protein change: p.Lys1508Arg; replaces lysine 1508 with arginine.
Molecular consequence: missense variant. On other transcripts: non-coding transcript variant (1).
Genome position (GRCh38, 1-based): chr19:11,058,353, A>G. VCF-style: chr19-11058353-A-G. GRCh37 (hg19) VCF-style: chr19-11169029-A-G.
Other names: c.4523A>G, p.Lys1508Arg (NM_001128844.3); c.4433A>G, p.Lys1478Arg (NM_001128845.2); c.4430A>G, p.Lys1477Arg (NM_001128846.2); c.4424A>G, p.Lys1475Arg (NM_001128847.4, NM_001374457.1); c.4421A>G, p.Lys1474Arg (NM_001128848.2); c.4619A>G, p.Lys1540Arg (NM_001128849.3); short protein forms K1474R, K1475R, K1477R, K1508R, K1540R, K1478R.
Identifiers: ClinVar variation 842954 (VCV000842954.11), dbSNP rs1400097305, ClinGen allele CA404077960.

ClinVar aggregate classification (germline): Uncertain significance. Review status: criteria provided, multiple submitters, no conflicts (2 of 4 stars). 2 submissions from 2 submitters: Uncertain significance (2). Last evaluated 2025-11-13.

Conditions:
Rhabdoid tumor predisposition syndrome 2 (RTPS2). Identifiers: Orphanet 231108, Orphanet 69077, MedGen C2750074, MONDO:0013224, OMIM 613325.
Hereditary cancer-predisposing syndrome. Also called: Hereditary Cancer Syndrome; Hereditary neoplastic syndrome; Tumor predisposition; Neoplastic Syndromes, Hereditary. Identifiers: Orphanet 140162, MedGen C0027672, MeSH D009386, MONDO:0015356.

Allele frequency attached by ClinVar (database versions not stated): gnomAD exomes below 0.00001.
gnomAD v4.1: 4 of 1,610,298 alleles (0.00025%); highest among the groups gnomAD compares: East Asian, 0.0089%; no homozygotes.

Submissions (2):

Labcorp Genetics (formerly Invitae), Labcorp
Classification: Uncertain significance for Rhabdoid tumor predisposition syndrome 2. Last evaluated: 2025-11-13. Review status: criteria provided, single submitter. Criteria: Invitae Variant Classification Sherloc (09022015). Collection method: clinical testing. Allele origin: germline.
Comment: This sequence change replaces lysine, which is basic and polar, with arginine, which is basic and polar, at codon 1540 of the SMARCA4 protein (p.Lys1540Arg). The frequency data for this variant in the population databases is considered unreliable, as metrics indicate poor data quality at this position in the gnomAD database. This variant has not been reported in the literature in individuals affected with SMARCA4-related conditions. ClinVar contains an entry for this variant (Variation ID: 842954). Invitae Evidence Modeling of protein sequence and biophysical properties (such as structural, functional, and spatial information, amino acid conservation, physicochemical variation, residue mobility, and thermodynamic stability) indicates that this missense variant is not expected to disrupt SMARCA4 protein function with a negative predictive value of 95%. In summary, the available evidence is currently insufficient to determine the role of this variant in disease. Therefore, it has been classified as a Variant of Uncertain Significance.

Ambry Genetics
Classification: Uncertain significance for Hereditary cancer-predisposing syndrome. Last evaluated: 2024-09-15. Review status: criteria provided, single submitter. Criteria: Ambry Variant Classification Scheme 2023. Collection method: clinical testing. Allele origin: germline.
Comment: The p.K1540R variant (also known as c.4619A>G), located in coding exon 31 of the SMARCA4 gene, results from an A to G substitution at nucleotide position 4619. The lysine at codon 1540 is replaced by arginine, an amino acid with highly similar properties. This amino acid position is not well conserved in available vertebrate species. In addition, this alteration is predicted to be tolerated by in silico analysis. Missense and in-frame variants in SMARCA4 are known to cause neurodevelopmental disorders; however, such associations with rhabdoid tumor predisposition syndrome including small cell carcinoma of the ovary-hypercalcemic type (SCCOHT) are exceedingly rare (Kosho T et al. Am J Med Genet C Semin Med Genet. 2014 Sep;166C(3):262-75; Jelinic P et al. Nat Genet. 2014 May;46(5):424-6). Based on the supporting evidence, the association of this alteration with Coffin-Siris syndrome is unknown; however, the association of this alteration with rhabdoid tumor predisposition syndrome is unlikely.